The following is an entry in ClinVar:

ClinVar aggregate classification (germline): Uncertain significance (1 of 4 stars; one submission).

Conditions:
Hereditary cancer-predisposing syndrome. Also called: Neoplastic Syndromes, Hereditary; Tumor predisposition; Hereditary Cancer Syndrome; Hereditary neoplastic syndrome. Identifiers: Orphanet 140162, MedGen C0027672, MeSH D009386, MONDO:0015356.

Submission:

Color Diagnostics, LLC DBA Color Health
Classification: Uncertain significance for Hereditary cancer-predisposing syndrome. Last evaluated: 2023-07-06. Review status: criteria provided, single submitter. Criteria: ACMG Guidelines, 2015. Collection method: clinical testing. Allele origin: germline.
Comment: This missense variant replaces isoleucine with asparagine at codon 111 of the STK11 protein. Computational prediction suggests that this variant may have deleterious impact on protein structure and function (internally defined REVEL score threshold >= 0.7, PMID: 27666373). To our knowledge, functional studies have not been reported for this variant. This variant has not been reported in individuals affected with STK11-related disorders in the literature. This variant has not been identified in the general population by the Genome Aggregation Database (gnomAD). The available evidence is insufficient to determine the role of this variant in disease conclusively. Therefore, this variant is classified as a Variant of Uncertain Significance.

NM_000455.5(STK11):c.332T>A (p.Ile111Asn)

Gene: STK11 (serine/threonine kinase 11; plus strand). Cytogenetic location: 19p13.3.
Variant type: single nucleotide variant.
Coding change: c.332T>A on transcript NM_000455.5 (MANE Select); coding-DNA position 332, T replaced by A.
Protein change: p.Ile111Asn; replaces isoleucine 111 with asparagine.
Molecular consequence: missense variant. On other transcripts: non-coding transcript variant (1).
Genome position (GRCh38, 1-based): chr19:1,218,458, T>A. VCF-style: chr19-1218458-T-A. GRCh37 (hg19) VCF-style: chr19-1218457-T-A.
Other names: c.332T>A, p.Ile111Asn (NM_001407255.1); short protein forms I111N.
Identifiers: ClinVar variation 2774535 (VCV002774535.2), dbSNP rs2512938333, ClinGen allele CA402947754.